The following is an entry in ClinVar:

NM_005060.4(RORC):c.661G>A (p.Gly221Ser)

Gene: RORC (RAR related orphan receptor C; minus strand). Cytogenetic location: 1q21.3.
Variant type: single nucleotide variant.
Coding change: c.661G>A on transcript NM_005060.4 (MANE Select); coding-DNA position 661, G replaced by A.
Protein change: p.Gly221Ser; replaces glycine 221 with serine.
Molecular consequence: missense variant.
Genome position (GRCh38, 1-based): chr1:151,815,063, C>T on the plus strand (G>A on the coding strand, the complement: RORC is on the minus strand). VCF-style: chr1-151815063-C-T. GRCh37 (hg19) VCF-style: chr1-151787539-C-T.
Other names: c.598G>A, p.Gly200Ser (NM_001001523.2); short protein forms G200S, G221S.
Identifiers: ClinVar variation 2041981 (VCV002041981.4), dbSNP rs2525622738, ClinGen allele CA342016128.

ClinVar aggregate classification (germline): Uncertain significance (1 of 4 stars; one submission).

Conditions:
Autosomal recessive mendelian susceptibility to mycobacterial diseases due to complete RORgamma receptor deficiency. Also called: Immunodeficiency 42. Identifiers: Orphanet 477857, MedGen C5567647, MONDO:0014710, OMIM 616622.

Submission:

Labcorp Genetics (formerly Invitae), Labcorp
Classification: Uncertain significance for Autosomal recessive mendelian susceptibility to mycobacterial diseases due to complete RORgamma receptor deficiency. Last evaluated: 2022-03-18. Review status: criteria provided, single submitter. Criteria: Invitae Variant Classification Sherloc (09022015). Collection method: clinical testing. Allele origin: germline.
Comment: This sequence change replaces glycine, which is neutral and non-polar, with serine, which is neutral and polar, at codon 221 of the RORC protein (p.Gly221Ser). This variant is not present in population databases (gnomAD no frequency). This variant has not been reported in the literature in individuals affected with RORC-related conditions. Algorithms developed to predict the effect of missense changes on protein structure and function output the following: SIFT: "Tolerated"; PolyPhen-2: "Benign"; Align-GVGD: "Class C0". The serine amino acid residue is found in multiple mammalian species, which suggests that this missense change does not adversely affect protein function. In summary, the available evidence is currently insufficient to determine the role of this variant in disease. Therefore, it has been classified as a Variant of Uncertain Significance.